The following is an entry in ClinVar:

NM_182914.3(SYNE2):c.1838T>A (p.Val613Glu)

Gene: SYNE2 (spectrin repeat containing nuclear envelope protein 2; plus strand). Cytogenetic location: 14q23.2.
Variant type: single nucleotide variant.
Coding change: c.1838T>A on transcript NM_182914.3 (MANE Select); coding-DNA position 1838, T replaced by A.
Protein change: p.Val613Glu; replaces valine 613 with glutamic acid.
Molecular consequence: missense variant.
Genome position (GRCh38, 1-based): chr14:63,982,631, T>A. VCF-style: chr14-63982631-T-A. GRCh37 (hg19) VCF-style: chr14-64449349-T-A.
Other names: c.1838T>A, p.Val613Glu (NM_015180.6); short protein forms V613E.
Identifiers: ClinVar variation 3346246 (VCV003346246.1).
Genomic context (GRCh38, chr14:63,982,631, plus strand): 5'-ACATAATAGAAAGACAATATCGTGTCATTAAGATAGTGTGTTGCTTGTGTATCATGTAGG[T>A]ACCCTTTGAGACACTAGCCCAGTGGAATCTAGAACACGCTACTTTAAATGAAGCAGGAAA-3'
Protein context (NP_878918.2, residues 603-623): EETKKEEIKE[Val613Glu]PFETLAQWNL

ClinVar aggregate classification (germline): Uncertain significance (0 of 4 stars; one submission).

Conditions:
SYNE2-related disorder. Also called: SYNE2-related condition.

Submission:

PreventionGenetics, part of Exact Sciences
Classification: Uncertain significance for SYNE2-related condition. Last evaluated: 2024-09-14. Review status: no assertion criteria provided. Collection method: clinical testing. Allele origin: germline.
Comment: The SYNE2 c.1838T>A variant is predicted to result in the amino acid substitution p.Val613Glu. To our knowledge, this variant has not been reported in the literature or in a large population database, indicating this variant is rare. At this time, the clinical significance of this variant is uncertain due to the absence of conclusive functional and genetic evidence.